The following is an entry in ClinVar:

NM_002499.4(NEO1):c.3948G>A (p.Ser1316=)

Gene: NEO1 (neogenin 1; plus strand). Cytogenetic location: 15q24.1.
Variant type: single nucleotide variant.
Coding change: c.3948G>A on transcript NM_002499.4 (MANE Select); coding-DNA position 3948, G replaced by A.
Protein change: p.Ser1316=; no amino-acid change (serine 1316 retained).
Molecular consequence: synonymous variant.
Genome position (GRCh38, 1-based): chr15:73,298,394, G>A. VCF-style: chr15-73298394-G-A. GRCh37 (hg19) VCF-style: chr15-73590735-G-A.
Other names: c.3789G>A, p.Ser1263= (NM_001172623.2); c.3915G>A, p.Ser1305= (NM_001172624.2); c.4008G>A, p.Ser1336= (NM_001419531.1).
Identifiers: ClinVar variation 3055618 (VCV003055618.2), dbSNP rs368621140, ClinGen allele CA7648653.
Genomic context (GRCh38, chr15:73,298,394, plus strand): 5'-CTTTCCTGCTGTAGAATCCGTTCGAAATACCCCCAGCACTGACACCATGCCAGCCTCTTC[G>A]TCTCAAACATGCTGCACTGATCACCAGGACCCTGAAGGTGCTACCAGCTCCTCTTACTTG-3'
Protein context (NP_002490.2, residues 1306-1326): TPSTDTMPAS[Ser1316=]SQTCCTDHQD

ClinVar aggregate classification (germline): Likely benign (0 of 4 stars; one submission).

Conditions:
NEO1-related disorder. Also called: NEO1-related condition.

Allele frequency attached by ClinVar (database versions not stated): gnomAD exomes 0.00002; ExAC 0.00004; gnomAD 0.00009; TOPMed 0.00012; ESP Exome Variant Server 0.00015; 1000 Genomes Project 30x 0.00031; 1000 Genomes Project 0.00040.
gnomAD v4.1: 49 of 1,614,188 alleles (0.003%); highest among the groups gnomAD compares: African/African-American, 0.033%; no homozygotes.

Submission:

PreventionGenetics, part of Exact Sciences
Classification: Likely benign for NEO1-related condition. Last evaluated: 2019-04-29. Review status: no assertion criteria provided. Collection method: clinical testing. Allele origin: germline.
Comment: This variant is classified as likely benign based on ACMG/AMP sequence variant interpretation guidelines (Richards et al. 2015 PMID: 25741868, with internal and published modifications).